The following is an entry in ClinVar:

NM_004655.4(AXIN2):c.1982A>C (p.His661Pro)

Gene: AXIN2 (axin 2; minus strand). Cytogenetic location: 17q24.1.
Variant type: single nucleotide variant.
Coding change: c.1982A>C on transcript NM_004655.4 (MANE Select); coding-DNA position 1982, A replaced by C.
Protein change: p.His661Pro; replaces histidine 661 with proline.
Molecular consequence: missense variant.
Genome position (GRCh38, 1-based): chr17:65,536,479, T>G on the plus strand (A>C on the coding strand, the complement: AXIN2 is on the minus strand). VCF-style: chr17-65536479-T-G. GRCh37 (hg19) VCF-style: chr17-63532597-T-G.
Other names: c.1787A>C, p.His596Pro (NM_001363813.1); short protein forms H596P, H661P.
Identifiers: ClinVar variation 1346012 (VCV001346012.9), dbSNP rs2144442940, ClinGen allele CA400676212.

ClinVar aggregate classification (germline): Uncertain significance. Review status: criteria provided, multiple submitters, no conflicts (2 of 4 stars). 2 submissions from 2 submitters: Uncertain significance (2). Last evaluated 2025-10-16.

Conditions:
Hereditary cancer-predisposing syndrome. Also called: Hereditary neoplastic syndrome; Tumor predisposition; Neoplastic Syndromes, Hereditary; Hereditary Cancer Syndrome. Identifiers: Orphanet 140162, MedGen C0027672, MeSH D009386, MONDO:0015356.
Oligodontia-cancer predisposition syndrome. Also called: TOOTH AGENESIS-COLORECTAL CANCER SYNDROME. Identifiers: Orphanet 300576, MedGen C1837750, MONDO:0012075, OMIM 608615. Disease mechanism: loss of function.

gnomAD v4.1: 1 of 1,613,844 alleles (0.000062%); highest among the groups gnomAD compares: Non-Finnish European, 0.000085%; no homozygotes.

Submissions (2):

Ambry Genetics
Classification: Uncertain significance for Hereditary cancer-predisposing syndrome. Last evaluated: 2025-10-16. Review status: criteria provided, single submitter. Criteria: Ambry Variant Classification Scheme 2023. Collection method: clinical testing. Allele origin: germline.
Comment: The p.H661P variant (also known as c.1982A>C), located in coding exon 7 of the AXIN2 gene, results from an A to C substitution at nucleotide position 1982. The histidine at codon 661 is replaced by proline, an amino acid with similar properties. This amino acid position is well conserved in available vertebrate species. In addition, this alteration is predicted to be deleterious by in silico analysis. Since supporting evidence is limited at this time, the clinical significance of this alteration remains unclear.

Labcorp Genetics (formerly Invitae), Labcorp
Classification: Uncertain significance for Oligodontia-cancer predisposition syndrome. Last evaluated: 2024-08-17. Review status: criteria provided, single submitter. Criteria: Invitae Variant Classification Sherloc (09022015). Collection method: clinical testing. Allele origin: germline.
Comment: This sequence change replaces histidine, which is basic and polar, with proline, which is neutral and non-polar, at codon 661 of the AXIN2 protein (p.His661Pro). This variant is not present in population databases (gnomAD no frequency). This variant has not been reported in the literature in individuals affected with AXIN2-related conditions. ClinVar contains an entry for this variant (Variation ID: 1346012). Invitae Evidence Modeling of protein sequence and biophysical properties (such as structural, functional, and spatial information, amino acid conservation, physicochemical variation, residue mobility, and thermodynamic stability) indicates that this missense variant is not expected to disrupt AXIN2 protein function with a negative predictive value of 80%. In summary, the available evidence is currently insufficient to determine the role of this variant in disease. Therefore, it has been classified as a Variant of Uncertain Significance.